The following is an entry in ClinVar:

ClinVar aggregate classification (germline): Uncertain significance (1 of 4 stars; one submission).

Allele frequency attached by ClinVar (database versions not stated): gnomAD 0.00002 and 0.00003; TOPMed 0.00006.

Submission:

Labcorp Genetics (formerly Invitae), Labcorp
Classification: Uncertain significance. Last evaluated: 2025-04-17. Review status: criteria provided, single submitter. Criteria: Invitae Variant Classification Sherloc (09022015). Collection method: clinical testing. Allele origin: germline.
Comment: This sequence change replaces proline, which is neutral and non-polar, with leucine, which is neutral and non-polar, at codon 355 of the FOXI3 protein (p.Pro355Leu). This variant is present in population databases (no rsID available, gnomAD 0.03%). This missense change has been observed in individual(s) with craniofacial microsomia (PMID: 37041148). ClinVar contains an entry for this variant (Variation ID: 1056396). Algorithms developed to predict the effect of variants on gene product structure and function are not available or were not evaluated for this variant. Experimental studies have shown that this missense change affects FOXI3 function (PMID: 37041148). In summary, the available evidence is currently insufficient to determine the role of this variant in disease. Therefore, it has been classified as a Variant of Uncertain Significance.

Literature cited by the submitters: PubMed 37041148.

NM_001135649.3(FOXI3):c.1064C>T (p.Pro355Leu)

Gene: FOXI3 (forkhead box I3; minus strand). Cytogenetic location: 2p11.2.
Variant type: single nucleotide variant.
Coding change: c.1064C>T on transcript NM_001135649.3 (MANE Select); coding-DNA position 1064, C replaced by T.
Protein change: p.Pro355Leu; replaces proline 355 with leucine.
Molecular consequence: missense variant.
Genome position (GRCh38, 1-based): chr2:88,448,406, G>A on the plus strand (C>T on the coding strand, the complement: FOXI3 is on the minus strand). VCF-style: chr2-88448406-G-A. GRCh37 (hg19) VCF-style: chr2-88747925-G-A.
Other names: short protein forms P355L.
Identifiers: ClinVar variation 1056396 (VCV001056396.8), dbSNP rs965851622, ClinGen allele CA51943832.